The following is an entry in ClinVar:

NM_020937.4(FANCM):c.5635A>G (p.Lys1879Glu)

Gene: FANCM (FA complementation group M; plus strand). Cytogenetic location: 14q21.2.
Variant type: single nucleotide variant.
Coding change: c.5635A>G on transcript NM_020937.4 (MANE Select); coding-DNA position 5635, A replaced by G.
Protein change: p.Lys1879Glu; replaces lysine 1879 with glutamic acid.
Molecular consequence: missense variant.
Genome position (GRCh38, 1-based): chr14:45,196,466, A>G. VCF-style: chr14-45196466-A-G. GRCh37 (hg19) VCF-style: chr14-45665669-A-G.
Other names: c.5557A>G, p.Lys1853Glu (NM_001308133.2); short protein forms K1853E, K1879E.
Identifiers: ClinVar variation 3572295 (VCV003572295.2).

ClinVar aggregate classification (germline): Uncertain significance. Review status: criteria provided, multiple submitters, no conflicts (2 of 4 stars). 2 submissions from 2 submitters: Uncertain significance (2). Last evaluated 2025-11-11.

Conditions:
Inborn genetic diseases. Identifiers: MedGen C0950123, MeSH D030342.

gnomAD v4.1: 1 of 1,614,032 alleles (0.000062%); highest among the groups gnomAD compares: Non-Finnish European, 0.000085%; no homozygotes.

Submissions (2):

Ambry Genetics
Classification: Uncertain significance for Inborn genetic diseases. Last evaluated: 2025-11-11. Review status: criteria provided, single submitter. Criteria: Ambry Variant Classification Scheme 2023. Collection method: clinical testing. Allele origin: germline.
Comment: The p.K1879E variant (also known as c.5635A>G), located in coding exon 21 of the FANCM gene, results from an A to G substitution at nucleotide position 5635. The lysine at codon 1879 is replaced by glutamic acid, an amino acid with similar properties. This amino acid position is conserved. In addition, this alteration is predicted to be tolerated by in silico analysis. Based on the available evidence, the clinical significance of this variant remains unclear.

Quest Diagnostics Nichols Institute San Juan Capistrano
Classification: Uncertain significance. Last evaluated: 2024-05-10. Review status: criteria provided, single submitter. Criteria: Quest Diagnostics criteria. Collection method: clinical testing. Allele origin: unknown.
Comment: The FANCM c.5635A>G (p.Lys1879Glu) variant has not been reported in individuals with FANCM-related conditions in the published literature. It also has not been reported in large, multi-ethnic general populations (Genome Aggregation Database). Analysis of this variant using bioinformatics tools for the prediction of the effect of amino acid changes on protein structure and function yielded conflicting predictions that this variant is benign or damaging. Based on the available information, we are unable to determine the clinical significance of this variant.